The following is an entry in ClinVar:

NM_000051.4(ATM):c.6333T>C (p.His2111=)

Genes: ATM (ATM serine/threonine kinase; plus strand), C11orf65 (chromosome 11 open reading frame 65; minus strand). Cytogenetic location: 11q22.3.
Variant type: single nucleotide variant.
Coding change: c.6333T>C on transcript NM_000051.4 (MANE Select); coding-DNA position 6333, T replaced by C.
Protein change: p.His2111=; no amino-acid change (histidine 2111 retained).
Molecular consequence: synonymous variant. On other transcripts: intron variant (2).
Genome position (GRCh38, 1-based): chr11:108,317,507, T>C. VCF-style: chr11-108317507-T-C. GRCh37 (hg19) VCF-style: chr11-108188234-T-C.
Other names: c.6333T>C, p.His2111= (NM_001351834.2); c.641-8436A>G (NM_001330368.2); c.*39-8436A>G (NM_001351110.2).
Identifiers: ClinVar variation 135769 (VCV000135769.49), dbSNP rs55756349, ClinGen allele CA186772.

ClinVar aggregate classification (germline): Benign/Likely benign. Review status: criteria provided, multiple submitters, no conflicts (2 of 4 stars). 14 submissions from 14 submitters: Benign (2); Likely benign (12). Last evaluated 2026-01-19.

Conditions:
ATM-related cancer predisposition. Also called: ATM-related cancer susceptibility. Identifiers: MedGen CN377759, MONDO:0700270.
ATM-related disorder. Also called: ATM-related disorders; ATM-related condition.
Hereditary cancer-predisposing syndrome. Also called: Neoplastic Syndromes, Hereditary; Hereditary Cancer Syndrome; Tumor predisposition; Hereditary neoplastic syndrome. Identifiers: Orphanet 140162, MedGen C0027672, MeSH D009386, MONDO:0015356.
Familial cancer of breast. Also called: BREAST CANCER, FAMILIAL; hereditary breast carcinoma; Hereditary breast cancer. Identifiers: Orphanet 227535, MedGen C0346153, MONDO:0016419, OMIM 114480. Disease mechanism: loss of function.
Ataxia-telangiectasia syndrome (AT). Also called: Ataxia-telangiectasia, complementation group D; AT, COMPLEMENTATION GROUP C; Ataxia-telangiectasia; ATAXIA-TELANGIECTASIA, COMPLEMENTATION GROUP A; ATAXIA-TELANGIECTASIA, FRESNO VARIANT; Ataxia-telangiectasia, complementation group E. Identifiers: Orphanet 100, MedGen C0004135, MONDO:0008840, OMIM 208900.

Allele frequency attached by ClinVar (database versions not stated): 1000 Genomes Project 0.00040; gnomAD exomes 0.00004 and 0.00007; TOPMed 0.00006; ESP Exome Variant Server 0.00008; gnomAD 0.00004; ExAC 0.00006; 1000 Genomes Project 30x 0.00047.
gnomAD v4.1: 59 of 1,609,828 alleles (0.0037%); highest among the groups gnomAD compares: East Asian, 0.04%; no homozygotes.

Submissions (14):

Labcorp Genetics (formerly Invitae), Labcorp
Classification: Likely benign for Ataxia-telangiectasia syndrome. Last evaluated: 2026-01-19. Review status: criteria provided, single submitter. Criteria: Invitae Variant Classification Sherloc (09022015). Collection method: clinical testing. Allele origin: germline.

PreventionGenetics, part of Exact Sciences
Classification: Likely benign for ATM-related condition. Last evaluated: 2025-12-19. Review status: criteria provided, single submitter. Criteria: ACMG Guidelines, 2015. Collection method: clinical testing. Allele origin: germline.
Comment: This variant is classified as likely benign based on ACMG/AMP sequence variant interpretation guidelines (Richards et al. 2015 PMID: 25741868, with internal and published modifications).

Laboratory of Genetics, Children's Clinical University Hospital Latvia
Classification: Benign. Last evaluated: 2025-02-16. Review status: criteria provided, single submitter. Criteria: ACMG Guidelines, 2015. Collection method: clinical testing. Allele origin: germline. Affected: yes.

Blueprint Genetics
Classification: Likely benign. Last evaluated: 2024-10-17. Review status: criteria provided, single submitter. Criteria: ACMG Guidelines, 2015. Collection method: clinical testing. Allele origin: germline.

Hereditary Cancer Laboratory, Hospital Universitario 12 de Octubre
Classification: Likely benign for Hereditary cancer-predisposing syndrome. Last evaluated: 2024-09-09. Review status: criteria provided, single submitter. Criteria: ACMG Guidelines, 2015. Collection method: clinical testing. Allele origin: germline.
Comment: PM2+BP4+BP6+BP7

Myriad Genetics, Inc.
Classification: Benign for Familial cancer of breast. Last evaluated: 2024-06-05. Review status: criteria provided, single submitter. Criteria: Myriad Autosomal Dominant, Autosomal Recessive and X-Linked Classification Criteria (2023). Collection method: clinical testing. Allele origin: unknown.
Comment: This variant is considered benign. This variant is a silent/synonymous amino acid change and it is not expected to impact splicing.

KCCC/NGS Laboratory, Kuwait Cancer Control Center
Classification: Likely benign for Familial cancer of breast. Last evaluated: 2023-07-07. Review status: criteria provided, single submitter. Criteria: ACMG Guidelines, 2015. Collection method: clinical testing. Allele origin: germline. Affected: yes.

CeGaT Center for Human Genetics Tuebingen
Classification: Likely benign. Last evaluated: 2023-02-01. Review status: criteria provided, single submitter. Criteria: CeGaT Center For Human Genetics Tuebingen Variant Classification Criteria Version 2. Collection method: clinical testing. Allele origin: germline. Affected: yes. Observed: 1 variant allele.
Comment: ATM: BP4, BP7

Department of Pathology and Laboratory Medicine, Sinai Health System
Classification: Likely benign for ATM-related cancer predisposition. Last evaluated: 2021-10-28. Review status: criteria provided, single submitter. Criteria: ACMG Guidelines, 2015. Collection method: clinical testing. Allele origin: germline. Affected: no.

GeneDx
Classification: Likely benign. Last evaluated: 2021-09-09. Review status: criteria provided, single submitter. Criteria: GeneDx Variant Classification Process June 2021. Collection method: clinical testing. Allele origin: germline. Affected: yes.
Comment: This variant is associated with the following publications: (PMID: 28779002)

Sema4
Classification: Likely benign for Hereditary cancer-predisposing syndrome. Last evaluated: 2021-05-18. Review status: criteria provided, single submitter. Criteria: Sema4 Curation Guidelines. Collection method: curation. Allele origin: germline.

Women's Health and Genetics/Laboratory Corporation of America, LabCorp
Classification: Likely benign. Last evaluated: 2019-08-21. Review status: criteria provided, single submitter. Criteria: LabCorp Variant Classification Summary - May 2015. Collection method: clinical testing. Allele origin: germline.

Color Diagnostics, LLC DBA Color Health
Classification: Likely benign for Hereditary cancer-predisposing syndrome. Last evaluated: 2016-04-19. Review status: criteria provided, single submitter. Criteria: ACMG Guidelines, 2015. Collection method: clinical testing. Allele origin: germline.

Ambry Genetics
Classification: Likely benign for Hereditary cancer-predisposing syndrome. Last evaluated: 2014-06-27. Review status: criteria provided, single submitter. Criteria: Ambry Variant Classification Scheme 2023. Collection method: clinical testing. Allele origin: germline.

Literature cited by the submitters: PubMed 30287823 (cited by Department of Pathology and Laboratory Medicine, Sinai Health System).